The following is an entry in ClinVar:

ClinVar aggregate classification (germline): Pathogenic (1 of 4 stars; one submission).

Conditions:
Hereditary hemorrhagic telangiectasia (HHT). Also called: ORW DISEASE; Osler Weber Rendu syndrome; OSLER-RENDU-WEBER DISEASE; Osler hemorrhagic telangiectasia syndrome. Identifiers: Orphanet 774, MedGen C0039445, MONDO:0019180. Disease mechanism: loss of function.

Submission:

Labcorp Genetics (formerly Invitae), Labcorp
Classification: Pathogenic for Hereditary hemorrhagic telangiectasia. Last evaluated: 2024-09-19. Review status: criteria provided, single submitter. Criteria: Invitae Variant Classification Sherloc (09022015). Collection method: clinical testing. Allele origin: germline.
Comment: This sequence change creates a premature translational stop signal (p.Val49Glyfs*33) in the ENG gene. It is expected to result in an absent or disrupted protein product. Loss-of-function variants in ENG are known to be pathogenic (PMID: 15879500). This variant is not present in population databases (gnomAD no frequency). This variant has not been reported in the literature in individuals affected with ENG-related conditions. For these reasons, this variant has been classified as Pathogenic.

Literature cited by the submitters: PubMed 15879500.

NM_001114753.3(ENG):c.144_145dup (p.Val49fs)

Gene: ENG (endoglin; minus strand). Cytogenetic location: 9q34.11.
Variant type: Duplication.
Coding change: c.144_145dup on transcript NM_001114753.3 (MANE Select); coding-DNA positions 144 to 145, 2 bases duplicated (GG; older notation c.144_145dupGG).
Protein change: p.Val49fs; shifts the reading frame from valine 49.
Molecular consequence: frameshift variant. On other transcripts: 5 prime UTR variant (1).
Genome position (GRCh38, 1-based): chr9:127,843,168-127,843,169, CC duplicated on the plus strand (GG on the coding strand, the reverse complement: ENG is on the minus strand). VCF-style (leftmost placement, unchanged base first): chr9-127843167-A-ACC. GRCh37 (hg19) VCF-style: chr9-130605446-A-ACC.
Other names: c.144_145dup, p.Val49fs (NM_000118.4, NM_001406715.1); c.-403_-402dup (NM_001278138.2); short protein forms V49fs.
Identifiers: ClinVar variation 3719861 (VCV003719861.2).